The following is an entry in ClinVar:

ClinVar aggregate classification (germline): Uncertain significance. Review status: criteria provided, multiple submitters, no conflicts (2 of 4 stars). 2 submissions from 2 submitters: Uncertain significance (2). Last evaluated 2025-06-25.

Conditions:
Inborn genetic diseases. Identifiers: MedGen C0950123, MeSH D030342.

Allele frequency attached by ClinVar (database versions not stated): gnomAD exomes below 0.00001.

Submissions (2):

Labcorp Genetics (formerly Invitae), Labcorp
Classification: Uncertain significance. Last evaluated: 2025-06-25. Review status: criteria provided, single submitter. Criteria: Invitae Variant Classification Sherloc (09022015). Collection method: clinical testing. Allele origin: germline.
Comment: This sequence change replaces arginine, which is basic and polar, with cysteine, which is neutral and slightly polar, at codon 853 of the HK1 protein (p.Arg853Cys). This variant is present in population databases (no rsID available, gnomAD 0.003%). This variant has not been reported in the literature in individuals affected with HK1-related conditions. ClinVar contains an entry for this variant (Variation ID: 2091731). Invitae Evidence Modeling of protein sequence and biophysical properties (such as structural, functional, and spatial information, amino acid conservation, physicochemical variation, residue mobility, and thermodynamic stability) indicates that this missense variant is not expected to disrupt HK1 protein function with a negative predictive value of 80%. In summary, the available evidence is currently insufficient to determine the role of this variant in disease. Therefore, it has been classified as a Variant of Uncertain Significance.

Ambry Genetics
Classification: Uncertain significance for Inborn genetic diseases. Last evaluated: 2023-12-17. Review status: criteria provided, single submitter. Criteria: Ambry Variant Classification Scheme 2023. Collection method: clinical testing. Allele origin: germline.

NM_000188.3(HK1):c.2557C>T (p.Arg853Cys)

Gene: HK1 (hexokinase 1; plus strand). Cytogenetic location: 10q22.1.
Variant type: single nucleotide variant.
Coding change: c.2557C>T on transcript NM_000188.3 (MANE Select); coding-DNA position 2557, C replaced by T.
Protein change: p.Arg853Cys; replaces arginine 853 with cysteine.
Molecular consequence: missense variant.
Genome position (GRCh38, 1-based): chr10:69,398,776, C>T. VCF-style: chr10-69398776-C-T. GRCh37 (hg19) VCF-style: chr10-71158532-C-T.
Other names: c.2473C>T, p.Arg825Cys (NM_001322366.1); c.2461C>T, p.Arg821Cys (NM_001322367.1); c.2569C>T, p.Arg857Cys (NM_001358263.1, NM_033497.3, NM_033498.3 and 1 more transcripts); c.2554C>T, p.Arg852Cys (NM_033496.3); c.2521C>T, p.Arg841Cys (NM_033500.2); c.2662C>T, p.Arg888Cys (NM_001322365.2); c.2557C>T (NM_000188.2); short protein forms R852C, R853C, R888C, R825C, R841C, R821C, R857C.
Identifiers: ClinVar variation 2091731 (VCV002091731.5), dbSNP rs1218000768, ClinGen allele CA376917210.